The following is an entry in ClinVar:

ClinVar aggregate classification (germline): Conflicting classifications of pathogenicity. Review status: criteria provided, conflicting classifications (1 of 4 stars). 2 submissions from 2 submitters: Likely pathogenic (1); Uncertain significance (1). Last evaluated 2026-02-05.

Conditions:
Primary ciliary dyskinesia 7. Also called: CILIARY DYSKINESIA, PRIMARY, 7, WITH OR WITHOUT SITUS INVERSUS. Identifiers: Orphanet 244, MedGen C2678473, MONDO:0012748, OMIM 611884.

Submissions (2):

Clinical Genetics and Genomics, Karolinska University Hospital
Classification: Likely pathogenic for Primary ciliary dyskinesia 7. Last evaluated: 2026-02-05. Review status: criteria provided, single submitter. Criteria: ACMG Guidelines, 2015. Collection method: clinical testing. Allele origin: germline. Inheritance: Autosomal recessive inheritance. Affected: yes.

Broad Center for Mendelian Genomics, Broad Institute of MIT and Harvard
Classification: Uncertain significance for Primary ciliary dyskinesia 7. Last evaluated: 2025-02-12. Review status: criteria provided, single submitter. Criteria: ACMG Guidelines, 2015. Collection method: curation. Allele origin: germline. Inheritance: Autosomal recessive inheritance.
Comment: The p.Cys1251MetfsTer5 variant in DNAH11 has not been previously reported in the literature in individuals with primary ciliary dyskinesia, but has been identified in 0.00008% (1/1178556) of European (non-Finnish) chromosomes by the Genome Aggregation Database (gnomAD). Although this variant has been seen in the general population in a heterozygous state, its frequency is low enough to be consistent with a recessive carrier frequency. It is of note that this variant occurs in a homopolymer repeat, which could indicate that it exists as an artifact from sequencing. However, disease-causing variants have been reported in homopolymer regions, so this is not enough to rule out a pathogenic role. This variant is predicted to cause a frameshift, which alters the protein's amino acid sequence beginning at position 1251 and leads to a premature termination codon 5 amino acids downstream. This alteration is then predicted to lead to a truncated or absent protein. Loss of function of the DNAH11 gene is an established disease mechanism in autosomal recessive primary ciliary dyskinesia. In summary, the clinical significance of the p.Cys1251MetfsTer5 variant is uncertain. ACMG/AMP Criteria applied: PVS1, PM2_supporting (Richards 2015).

NM_001277115.2(DNAH11):c.3750dup (p.Cys1251fs)

Gene: DNAH11 (dynein axonemal heavy chain 11; plus strand). Cytogenetic location: 7p15.3.
Variant type: Duplication.
Coding change: c.3750dup on transcript NM_001277115.2 (MANE Select); coding-DNA position 3750, one base duplicated (A; older notation c.3750dupA).
Protein change: p.Cys1251fs; shifts the reading frame from cysteine 1251.
Molecular consequence: frameshift variant.
Genome position (GRCh38, 1-based): chr7:21,606,527, A duplicated; the last of 6 consecutive A bases (chr7:21,606,522-21,606,527); duplicating any one gives the same sequence. VCF-style (leftmost placement, unchanged base first): chr7-21606521-G-GA. GRCh37 (hg19) VCF-style: chr7-21646139-G-GA.
Other names: NM_001277115.2:c.3750dup; short protein forms C1251fs.
Identifiers: ClinVar variation 3776916 (VCV003776916.2).